The following is an entry in ClinVar:

ClinVar aggregate classification (germline): Uncertain significance. Review status: criteria provided, multiple submitters, no conflicts (2 of 4 stars). 2 submissions from 2 submitters: Uncertain significance (2). Last evaluated 2025-08-21.

Conditions:
Inborn genetic diseases. Identifiers: MedGen C0950123, MeSH D030342.

Allele frequency attached by ClinVar (database versions not stated): gnomAD exomes below 0.00001.
gnomAD v4.1: 2 of 1,614,040 alleles (0.00012%); highest among the groups gnomAD compares: Admixed American, 0.0033%; no homozygotes.

Submissions (2):

Ambry Genetics
Classification: Uncertain significance for Inborn genetic diseases. Last evaluated: 2025-08-21. Review status: criteria provided, single submitter. Criteria: Ambry Variant Classification Scheme 2023. Collection method: clinical testing. Allele origin: germline.

Labcorp Genetics (formerly Invitae), Labcorp
Classification: Uncertain significance. Last evaluated: 2022-08-19. Review status: criteria provided, single submitter. Criteria: Invitae Variant Classification Sherloc (09022015). Collection method: clinical testing. Allele origin: germline.
Comment: This sequence change replaces phenylalanine, which is neutral and non-polar, with serine, which is neutral and polar, at codon 269 of the CCBE1 protein (p.Phe269Ser). This variant is present in population databases (no rsID available, gnomAD 0.006%). This variant has not been reported in the literature in individuals affected with CCBE1-related conditions. Algorithms developed to predict the effect of missense changes on protein structure and function are either unavailable or do not agree on the potential impact of this missense change (SIFT: "Tolerated"; PolyPhen-2: "Possibly Damaging"; Align-GVGD: "Class C0"). In summary, the available evidence is currently insufficient to determine the role of this variant in disease. Therefore, it has been classified as a Variant of Uncertain Significance.

NM_133459.4(CCBE1):c.806T>C (p.Phe269Ser)

Gene: CCBE1 (collagen and calcium binding EGF domains 1; minus strand). Cytogenetic location: 18q21.32.
Variant type: single nucleotide variant.
Coding change: c.806T>C on transcript NM_133459.4 (MANE Select); coding-DNA position 806, T replaced by C.
Protein change: p.Phe269Ser; replaces phenylalanine 269 with serine.
Molecular consequence: missense variant.
Genome position (GRCh38, 1-based): chr18:59,439,786, A>G on the plus strand (T>C on the coding strand, the complement: CCBE1 is on the minus strand). VCF-style: chr18-59439786-A-G. GRCh37 (hg19) VCF-style: chr18-57107018-A-G.
Other names: c.806T>C (NM_133459.3); short protein forms F269S.
Identifiers: ClinVar variation 1930605 (VCV001930605.3), dbSNP rs1046411835, ClinGen allele CA301039615.